The following is an entry in ClinVar:

ClinVar aggregate classification (germline): Uncertain significance (1 of 4 stars; one submission).

gnomAD v4.1: 4 of 1,613,926 alleles (0.00025%); highest among the groups gnomAD compares: Admixed American, 0.005%; no homozygotes.

Submission:

Labcorp Genetics (formerly Invitae), Labcorp
Classification: Uncertain significance. Last evaluated: 2025-12-13. Review status: criteria provided, single submitter. Criteria: Invitae Variant Classification Sherloc (09022015). Collection method: clinical testing. Allele origin: germline.
Comment: This sequence change replaces proline, which is neutral and non-polar, with threonine, which is neutral and polar, at codon 3326 of the ANK3 protein (p.Pro3326Thr). This variant is present in population databases (no rsID available, gnomAD 0.009%). This variant has not been reported in the literature in individuals affected with ANK3-related conditions. Invitae Evidence Modeling of protein sequence and biophysical properties (such as structural, functional, and spatial information, amino acid conservation, physicochemical variation, residue mobility, and thermodynamic stability) indicates that this missense variant is not expected to disrupt ANK3 protein function with a negative predictive value of 80%. In summary, the available evidence is currently insufficient to determine the role of this variant in disease. Therefore, it has been classified as a Variant of Uncertain Significance.

NM_020987.5(ANK3):c.9976C>A (p.Pro3326Thr)

Gene: ANK3 (ankyrin 3; minus strand). Cytogenetic location: 10q21.2.
Variant type: single nucleotide variant.
Coding change: c.9976C>A on transcript NM_020987.5 (MANE Select); coding-DNA position 9976, C replaced by A.
Protein change: p.Pro3326Thr; replaces proline 3326 with threonine.
Molecular consequence: missense variant. On other transcripts: intron variant (4).
Genome position (GRCh38, 1-based): chr10:60,070,905, G>T on the plus strand (C>A on the coding strand, the complement: ANK3 is on the minus strand). VCF-style: chr10-60070905-G-T. GRCh37 (hg19) VCF-style: chr10-61830663-G-T.
Other names: c.4388-2896C>A (NM_001204403.2); c.4409-2896C>A (NM_001204404.2); c.4406-2896C>A (NM_001320874.2); c.1808-2896C>A (NM_001149.4); short protein forms P3326T.
Identifiers: ClinVar variation 4781811 (VCV004781811.1).